The following is an entry in ClinVar:

ClinVar aggregate classification (germline): Uncertain significance. Review status: criteria provided, multiple submitters, no conflicts (2 of 4 stars). 3 submissions from 3 submitters: Uncertain significance (3). Last evaluated 2025-12-09.

Allele frequency attached by ClinVar (database versions not stated): TOPMed below 0.00001; ExAC 0.00001; gnomAD 0.00001; gnomAD exomes 0.00001; ESP Exome Variant Server 0.00009.
gnomAD v4.1: 9 of 1,209,504 alleles (0.00074%); highest among the groups gnomAD compares: Non-Finnish European, 0.001%; no homozygotes.

Submissions (3):

Women's Health and Genetics/Laboratory Corporation of America, LabCorp
Classification: Uncertain significance. Last evaluated: 2025-12-09. Review status: criteria provided, single submitter. Criteria: LabCorp Variant Classification Summary - May 2015. Collection method: clinical testing. Allele origin: germline.
Comment: Variant summary: NEXMIF c.2320T>C (p.Ser774Pro) results in a non-conservative amino acid change in the encoded protein sequence. Algorithms developed to predict the effect of missense changes on protein structure and function are either unavailable or do not agree on the potential impact of this missense change. The variant was absent in 183172 control chromosomes. The available data on variant occurrences in the general population are insufficient to allow any conclusion about variant significance. To our knowledge, no occurrence of c.2320T>C in individuals affected with NEXMIF-related conditions and no experimental evidence demonstrating its impact on protein function have been reported. ClinVar contains an entry for this variant (Variation ID: 1013893). Based on the evidence outlined above, the variant was classified as uncertain significance.

Ambry Genetics
Classification: Uncertain significance. Last evaluated: 2021-09-30. Review status: criteria provided, single submitter. Criteria: Ambry Variant Classification Scheme 2023. Collection method: clinical testing. Allele origin: germline.

Labcorp Genetics (formerly Invitae), Labcorp
Classification: Uncertain significance. Last evaluated: 2020-01-03. Review status: criteria provided, single submitter. Criteria: Invitae Variant Classification Sherloc (09022015). Collection method: clinical testing. Allele origin: germline.
Comment: This sequence change replaces serine with proline at codon 774 of the NEXMIF protein (p.Ser774Pro). The serine residue is highly conserved and there is a moderate physicochemical difference between serine and proline. In summary, the available evidence is currently insufficient to determine the role of this variant in disease. Therefore, it has been classified as a Variant of Uncertain Significance. Algorithms developed to predict the effect of missense changes on protein structure and function output the following: SIFT: "Tolerated"; PolyPhen-2: "Benign"; Align-GVGD: "Class C0". The proline amino acid residue is found in multiple mammalian species, suggesting that this missense change does not adversely affect protein function. These predictions have not been confirmed by published functional studies and their clinical significance is uncertain. This variant has not been reported in the literature in individuals with NEXMIF-related conditions. This variant is present in population databases (rs371138262, ExAC 0.002%).

NM_001008537.3(NEXMIF):c.2320T>C (p.Ser774Pro)

Gene: NEXMIF (neurite extension and migration factor; minus strand). Cytogenetic location: Xq13.3.
Variant type: single nucleotide variant.
Coding change: c.2320T>C on transcript NM_001008537.3 (MANE Select); coding-DNA position 2320, T replaced by C.
Protein change: p.Ser774Pro; replaces serine 774 with proline.
Molecular consequence: missense variant.
Genome position (GRCh38, 1-based): chrX:74,742,237, A>G on the plus strand (T>C on the coding strand, the complement: NEXMIF is on the minus strand). VCF-style: chrX-74742237-A-G. GRCh37 (hg19) VCF-style: chrX-73962072-A-G.
Other names: c.2320T>C (NM_001008537.2); short protein forms S774P.
Identifiers: ClinVar variation 1013893 (VCV001013893.12), dbSNP rs371138262, ClinGen allele CA10455059.